The following is an entry in ClinVar:

ClinVar aggregate classification (germline): Uncertain significance (1 of 4 stars; one submission).

Conditions:
Norman-Roberts syndrome (LIS2). Also called: Lissencephaly 2 (Norman-Roberts type). Identifiers: Orphanet 89844, MedGen C0796089, MONDO:0009760, OMIM 257320.
Familial temporal lobe epilepsy 7. Identifiers: Orphanet 101046, MedGen C4225327, MONDO:0014639, OMIM 616436.

Submission:

Labcorp Genetics (formerly Invitae), Labcorp
Classification: Uncertain significance for Familial temporal lobe epilepsy 7; Norman-Roberts syndrome. Last evaluated: 2022-09-07. Review status: criteria provided, single submitter. Criteria: Invitae Variant Classification Sherloc (09022015). Collection method: clinical testing. Allele origin: germline.
Comment: In summary, the available evidence is currently insufficient to determine the role of this variant in disease. Therefore, it has been classified as a Variant of Uncertain Significance. Algorithms developed to predict the effect of missense changes on protein structure and function are either unavailable or do not agree on the potential impact of this missense change (SIFT: "Deleterious"; PolyPhen-2: "Probably Damaging"; Align-GVGD: "Class C0"). ClinVar contains an entry for this variant (Variation ID: 1421097). This variant has not been reported in the literature in individuals affected with RELN-related conditions. This variant is not present in population databases (gnomAD no frequency). This sequence change replaces glycine, which is neutral and non-polar, with aspartic acid, which is acidic and polar, at codon 1056 of the RELN protein (p.Gly1056Asp).

NM_005045.4(RELN):c.3167G>A (p.Gly1056Asp)

Gene: RELN (reelin; minus strand). Cytogenetic location: 7q22.1.
Variant type: single nucleotide variant.
Coding change: c.3167G>A on transcript NM_005045.4 (MANE Select); coding-DNA position 3167, G replaced by A.
Protein change: p.Gly1056Asp; replaces glycine 1056 with aspartic acid.
Molecular consequence: missense variant.
Genome position (GRCh38, 1-based): chr7:103,603,470, C>T on the plus strand (G>A on the coding strand, the complement: RELN is on the minus strand). VCF-style: chr7-103603470-C-T. GRCh37 (hg19) VCF-style: chr7-103243917-C-T.
Other names: c.3167G>A, p.Gly1056Asp (NM_173054.3); short protein forms G1056D.
Identifiers: ClinVar variation 1421097 (VCV001421097.8), dbSNP rs1831728302, ClinGen allele CA368763440.